The following is an entry in ClinVar:

NM_000535.7(PMS2):c.338C>G (p.Ser113Ter)

Gene: PMS2 (PMS1 homolog 2, mismatch repair system component; minus strand). Cytogenetic location: 7p22.1.
Variant type: single nucleotide variant.
Coding change: c.338C>G on transcript NM_000535.7 (MANE Select); coding-DNA position 338, C replaced by G.
Protein change: p.Ser113Ter; replaces serine 113 with a stop codon.
Molecular consequence: nonsense. On other transcripts: 5 prime UTR variant (9), non-coding transcript variant (1), intron variant (2).
Genome position (GRCh38, 1-based): chr7:6,003,705, G>C on the plus strand (C>G on the coding strand, the complement: PMS2 is on the minus strand). VCF-style: chr7-6003705-G-C. GRCh37 (hg19) VCF-style: chr7-6043336-G-C.
Other names: c.-68C>G (NM_001018040.1, NM_001322003.2, NM_001322004.2 and 14 more transcripts); c.338C>G, p.Ser113Ter (NM_001322006.2, NM_001322014.2, NM_001406869.1 and 8 more transcripts); c.-547C>G (NM_001322011.2, NM_001322012.2); c.-147C>G (NM_001322015.2, NM_001406875.1, NM_001406877.1 and 3 more transcripts); c.524C>G, p.Ser175Ter (NM_001406866.1); c.362C>G, p.Ser121Ter (NM_001406868.1); c.-58C>G (NM_001406890.1); c.35+267C>G (NM_001322008.2, NM_001322007.2); short protein forms S113*, S175*, S121*.
Identifiers: ClinVar variation 1730883 (VCV001730883.2), dbSNP rs1785365441, ClinGen allele CA366744553.

ClinVar aggregate classification (germline): Pathogenic (1 of 4 stars; one submission).

Conditions:
Hereditary cancer-predisposing syndrome. Also called: Neoplastic Syndromes, Hereditary; Tumor predisposition; Hereditary Cancer Syndrome; Hereditary neoplastic syndrome. Identifiers: Orphanet 140162, MedGen C0027672, MeSH D009386, MONDO:0015356.

Submission:

Ambry Genetics
Classification: Pathogenic for Hereditary cancer-predisposing syndrome. Last evaluated: 2022-04-20. Review status: criteria provided, single submitter. Criteria: Ambry Variant Classification Scheme 2023. Collection method: clinical testing. Allele origin: germline.
Comment: The p.S113* pathogenic mutation (also known as c.338C>G), located in coding exon 4 of the PMS2 gene, results from a C to G substitution at nucleotide position 338. This changes the amino acid from a serine to a stop codon within coding exon 4. This variant is considered to be rare based on population cohorts in the Genome Aggregation Database (gnomAD). This alteration is expected to result in loss of function by premature protein truncation or nonsense-mediated mRNA decay. As such, this alteration is interpreted as a disease-causing mutation.